The following is an entry in ClinVar:

NM_015922.3(NSDHL):c.556G>A (p.Ala186Thr)

Gene: NSDHL (NAD(P) dependent 3-beta-hydroxysteroid dehydrogenase NSDHL; plus strand). Cytogenetic location: Xq28.
Variant type: single nucleotide variant.
Coding change: c.556G>A on transcript NM_015922.3 (MANE Select); coding-DNA position 556, G replaced by A.
Protein change: p.Ala186Thr; replaces alanine 186 with threonine.
Molecular consequence: missense variant.
Genome position (GRCh38, 1-based): chrX:152,865,831, G>A. VCF-style: chrX-152865831-G-A. GRCh37 (hg19) VCF-style: chrX-152034375-G-A.
Other names: c.556G>A, p.Ala186Thr (NM_001129765.2); short protein forms A186T.
Identifiers: ClinVar variation 3714846 (VCV003714846.2).

ClinVar aggregate classification (germline): Uncertain significance (1 of 4 stars; one submission).

gnomAD v4.1: 5 of 1,212,336 alleles (0.00041%); highest among the groups gnomAD compares: South Asian, 0.0018%; no homozygotes.

Submission:

Labcorp Genetics (formerly Invitae), Labcorp
Classification: Uncertain significance. Last evaluated: 2024-02-14. Review status: criteria provided, single submitter. Criteria: Invitae Variant Classification Sherloc (09022015). Collection method: clinical testing. Allele origin: germline.
Comment: This sequence change replaces alanine, which is neutral and non-polar, with threonine, which is neutral and polar, at codon 186 of the NSDHL protein (p.Ala186Thr). This variant is present in population databases (rs782180567, gnomAD 0.005%). This variant has not been reported in the literature in individuals affected with NSDHL-related conditions. An algorithm developed to predict the effect of missense changes on protein structure and function (PolyPhen-2) suggests that this variant is likely to be disruptive. In summary, the available evidence is currently insufficient to determine the role of this variant in disease. Therefore, it has been classified as a Variant of Uncertain Significance.